The following is an entry in ClinVar:

ClinVar aggregate classification (germline): Uncertain significance (1 of 4 stars; one submission).

Conditions:
RPGRIP1L-related disorder. Also called: RPGRIP1L-related condition; RPGRIP1L-related disorders. Identifiers: MedGen CN239416.

Submission:

PreventionGenetics, part of Exact Sciences
Classification: Uncertain significance for RPGRIP1L-related condition. Last evaluated: 2026-04-15. Review status: criteria provided, single submitter. Criteria: ACMG Guidelines, 2015. Collection method: clinical testing. Allele origin: germline.
Comment: The RPGRIP1L c.2779A>G variant is predicted to result in the amino acid substitution p.Ile927Val. To our knowledge, this variant has not been reported in the literature. This variant is reported in 0.0033% of alleles in individuals of South Asian descent in gnomAD. At this time, the clinical significance of this variant is uncertain due to the absence of conclusive functional and genetic evidence.

NM_015272.5(RPGRIP1L):c.2779A>G (p.Ile927Val)

Gene: RPGRIP1L (RPGRIP1 like; minus strand). Cytogenetic location: 16q12.2.
Variant type: single nucleotide variant.
Coding change: c.2779A>G on transcript NM_015272.5 (MANE Select); coding-DNA position 2779, A replaced by G.
Protein change: p.Ile927Val; replaces isoleucine 927 with valine.
Molecular consequence: missense variant.
Genome position (GRCh38, 1-based): chr16:53,641,380, T>C on the plus strand (A>G on the coding strand, the complement: RPGRIP1L is on the minus strand). VCF-style: chr16-53641380-T-C. GRCh37 (hg19) VCF-style: chr16-53675292-T-C.
Other names: c.2779A>G, p.Ile927Val (NM_001127897.4, NM_001308334.3, NM_001330538.2); short protein forms I927V.
Identifiers: ClinVar variation 4992061 (VCV004992061.1).